The following is an entry in ClinVar:

NM_016335.6(PRODH):c.583A>G (p.Ile195Val)

Gene: PRODH (proline dehydrogenase 1; minus strand). Cytogenetic location: 22q11.21.
Variant type: single nucleotide variant.
Coding change: c.583A>G on transcript NM_016335.6 (MANE Select); coding-DNA position 583, A replaced by G.
Protein change: p.Ile195Val; replaces isoleucine 195 with valine.
Molecular consequence: missense variant.
Genome position (GRCh38, 1-based): chr22:18,925,135, T>C on the plus strand (A>G on the coding strand, the complement: PRODH is on the minus strand). VCF-style: chr22-18925135-T-C. GRCh37 (hg19) VCF-style: chr22-18912648-T-C.
Other names: c.259A>G, p.Ile87Val (NM_001195226.2, NM_001368250.2); short protein forms I195V, I87V.
Identifiers: ClinVar variation 2061529 (VCV002061529.2), dbSNP rs759845056, ClinGen allele CA10095340.

ClinVar aggregate classification (germline): Uncertain significance. Review status: criteria provided, multiple submitters, no conflicts (2 of 4 stars). 2 submissions from 2 submitters: Uncertain significance (2). Last evaluated 2024-03-08.

Conditions:
Proline dehydrogenase deficiency (HYRPRO1). Also called: Hyperprolinemia type 1; PROLINE OXIDASE DEFICIENCY. Identifiers: Orphanet 419, MedGen C0268529, MONDO:0009400, OMIM 239500.
Schizophrenia 4 (SCZD4). Also called: SCHIZOPHRENIA SUSCEPTIBILITY LOCUS, CHROMOSOME 22q11-RELATED; SCHIZOPHRENIA, SUSCEPTIBILITY TO, 4. Identifiers: MedGen C1833247, MONDO:0010943, OMIM 600850.

Allele frequency attached by ClinVar (database versions not stated): ExAC 0.00006.

Submissions (2):

Fulgent Genetics
Classification: Uncertain significance for Proline dehydrogenase deficiency; Schizophrenia 4. Last evaluated: 2024-03-08. Review status: criteria provided, single submitter. Criteria: ACMG Guidelines, 2015. Collection method: clinical testing. Allele origin: germline.

Labcorp Genetics (formerly Invitae), Labcorp
Classification: Uncertain significance for Proline dehydrogenase deficiency. Last evaluated: 2022-08-22. Review status: criteria provided, single submitter. Criteria: Invitae Variant Classification Sherloc (09022015). Collection method: clinical testing. Allele origin: germline.
Comment: This sequence change replaces isoleucine, which is neutral and non-polar, with valine, which is neutral and non-polar, at codon 195 of the PRODH protein (p.Ile195Val). This variant is present in population databases (rs759845056, gnomAD 0.05%). This variant has not been reported in the literature in individuals affected with PRODH-related conditions. Algorithms developed to predict the effect of missense changes on protein structure and function output the following: SIFT: "Tolerated"; PolyPhen-2: "Benign"; Align-GVGD: "Class C0". The valine amino acid residue is found in multiple mammalian species, which suggests that this missense change does not adversely affect protein function. Algorithms developed to predict the effect of sequence changes on RNA splicing suggest that this variant may create or strengthen a splice site. In summary, the available evidence is currently insufficient to determine the role of this variant in disease. Therefore, it has been classified as a Variant of Uncertain Significance.